The following is an entry in ClinVar:

NM_003289.4(TPM2):c.52G>A (p.Ala18Thr)

Gene: TPM2 (tropomyosin 2; minus strand). Cytogenetic location: 9p13.3.
Variant type: single nucleotide variant.
Coding change: c.52G>A on transcript NM_003289.4 (MANE Select); coding-DNA position 52, G replaced by A.
Protein change: p.Ala18Thr; replaces alanine 18 with threonine.
Molecular consequence: missense variant.
Genome position (GRCh38, 1-based): chr9:35,689,766, C>T on the plus strand (G>A on the coding strand, the complement: TPM2 is on the minus strand). VCF-style: chr9-35689766-C-T. GRCh37 (hg19) VCF-style: chr9-35689763-C-T.
Other names: c.52G>A, p.Ala18Thr (NM_001301226.2, NM_001301227.2, NM_213674.1); short protein forms A18T.
Identifiers: ClinVar variation 1971910 (VCV001971910.5), dbSNP rs2490704395, ClinGen allele CA373370178.

ClinVar aggregate classification (germline): Uncertain significance (1 of 4 stars; one submission).

Conditions:
Arthrogryposis, distal, type 1A. Also called: ARTHROGRYPOSIS MULTIPLEX CONGENITA, DISTAL, TYPE I. Identifiers: Orphanet 1146, MedGen C6022280, MONDO:0007157, OMIM 108120.

Allele frequency attached by ClinVar (database versions not stated): gnomAD exomes 0.00001.
gnomAD v4.1: 6 of 1,613,768 alleles (0.00037%); highest among the groups gnomAD compares: Non-Finnish European, 0.00051%; no homozygotes.

Submission:

Labcorp Genetics (formerly Invitae), Labcorp
Classification: Uncertain significance for Arthrogryposis, distal, type 1A. Last evaluated: 2022-02-21. Review status: criteria provided, single submitter. Criteria: Invitae Variant Classification Sherloc (09022015). Collection method: clinical testing. Allele origin: germline.
Comment: Algorithms developed to predict the effect of missense changes on protein structure and function are either unavailable or do not agree on the potential impact of this missense change (SIFT: "Deleterious"; PolyPhen-2: "Probably Damaging"; Align-GVGD: "Class C0"). This variant has not been reported in the literature in individuals affected with TPM2-related conditions. This variant is not present in population databases (gnomAD no frequency). This sequence change replaces alanine, which is neutral and non-polar, with threonine, which is neutral and polar, at codon 18 of the TPM2 protein (p.Ala18Thr). In summary, the available evidence is currently insufficient to determine the role of this variant in disease. Therefore, it has been classified as a Variant of Uncertain Significance.